The following is an entry in ClinVar:

NM_006230.4(POLD2):c.395A>G (p.Glu132Gly)

Gene: POLD2 (DNA polymerase delta 2, accessory subunit; minus strand). Cytogenetic location: 7p13.
Variant type: single nucleotide variant.
Coding change: c.395A>G on transcript NM_006230.4 (MANE Select); coding-DNA position 395, A replaced by G.
Protein change: p.Glu132Gly; replaces glutamic acid 132 with glycine.
Molecular consequence: missense variant.
Genome position (GRCh38, 1-based): chr7:44,117,690, T>C on the plus strand (A>G on the coding strand, the complement: POLD2 is on the minus strand). VCF-style: chr7-44117690-T-C. GRCh37 (hg19) VCF-style: chr7-44157289-T-C.
Other names: c.395A>G, p.Glu132Gly (NM_001127218.3, NM_001256879.2); short protein forms E132G.
Identifiers: ClinVar variation 3308321 (VCV003308321.3).

ClinVar aggregate classification (germline): Uncertain significance. Review status: criteria provided, multiple submitters, no conflicts (2 of 4 stars). 2 submissions from 2 submitters: Uncertain significance (2). Last evaluated 2024-08-02.

Submissions (2):

Labcorp Genetics (formerly Invitae), Labcorp
Classification: Uncertain significance. Last evaluated: 2024-08-02. Review status: criteria provided, single submitter. Criteria: Invitae Variant Classification Sherloc (09022015). Collection method: clinical testing. Allele origin: germline.
Comment: This sequence change replaces glutamic acid, which is acidic and polar, with glycine, which is neutral and non-polar, at codon 167 of the POLD2 protein (p.Glu167Gly). This variant is not present in population databases (gnomAD no frequency). This variant has not been reported in the literature in individuals affected with POLD2-related conditions. Experimental studies and prediction algorithms are not available or were not evaluated, and the functional significance of this variant is currently unknown. In summary, the available evidence is currently insufficient to determine the role of this variant in disease. Therefore, it has been classified as a Variant of Uncertain Significance.

Ambry Genetics
Classification: Uncertain significance. Last evaluated: 2024-04-29. Review status: criteria provided, single submitter. Criteria: Ambry Variant Classification Scheme 2023. Collection method: clinical testing. Allele origin: germline.